The following is an entry in ClinVar:

NM_030780.5(SLC25A32):c.202T>G (p.Cys68Gly)

Gene: SLC25A32 (solute carrier family 25 member 32; minus strand). Cytogenetic location: 8q22.3.
Variant type: single nucleotide variant.
Coding change: c.202T>G on transcript NM_030780.5 (MANE Select); coding-DNA position 202, T replaced by G.
Protein change: p.Cys68Gly; replaces cysteine 68 with glycine.
Molecular consequence: missense variant. On other transcripts: non-coding transcript variant (2).
Genome position (GRCh38, 1-based): chr8:103,407,737, A>C on the plus strand (T>G on the coding strand, the complement: SLC25A32 is on the minus strand). VCF-style: chr8-103407737-A-C. GRCh37 (hg19) VCF-style: chr8-104419965-A-C.
Other names: short protein forms C68G.
Identifiers: ClinVar variation 3619516 (VCV003619516.2).

ClinVar aggregate classification (germline): Uncertain significance (1 of 4 stars; one submission).

Submission:

Labcorp Genetics (formerly Invitae), Labcorp
Classification: Uncertain significance. Last evaluated: 2024-07-08. Review status: criteria provided, single submitter. Criteria: Invitae Variant Classification Sherloc (09022015). Collection method: clinical testing. Allele origin: germline.
Comment: This sequence change replaces cysteine, which is neutral and slightly polar, with glycine, which is neutral and non-polar, at codon 68 of the SLC25A32 protein (p.Cys68Gly). This variant is not present in population databases (gnomAD no frequency). This variant has not been reported in the literature in individuals affected with SLC25A32-related conditions. Advanced modeling of protein sequence and biophysical properties (such as structural, functional, and spatial information, amino acid conservation, physicochemical variation, residue mobility, and thermodynamic stability) performed at Invitae indicates that this missense variant is not expected to disrupt SLC25A32 protein function with a negative predictive value of 80%. In summary, the available evidence is currently insufficient to determine the role of this variant in disease. Therefore, it has been classified as a Variant of Uncertain Significance.